The following is an entry in ClinVar:

NM_001429.4(EP300):c.2688A>G (p.Gln896=)

Gene: EP300 (EP300 lysine acetyltransferase; plus strand). Cytogenetic location: 22q13.2.
Variant type: single nucleotide variant.
Coding change: c.2688A>G on transcript NM_001429.4 (MANE Select); coding-DNA position 2688, A replaced by G.
Protein change: p.Gln896=; no amino-acid change (glutamine 896 retained).
Molecular consequence: synonymous variant.
Genome position (GRCh38, 1-based): chr22:41,150,069, A>G. VCF-style: chr22-41150069-A-G. GRCh37 (hg19) VCF-style: chr22-41546073-A-G.
Other names: c.2610A>G, p.Gln870= (NM_001362843.2).
Identifiers: ClinVar variation 4983051 (VCV004983051.1).

ClinVar aggregate classification (germline): Uncertain significance (1 of 4 stars; one submission).

Conditions:
EP300-related disorder. Also called: EP300-related condition; EP300-related disorders.

gnomAD v4.1: 3 of 1,613,812 alleles (0.00019%); highest among the groups gnomAD compares: Middle Eastern, 0.016%; no homozygotes.

Submission:

PreventionGenetics, part of Exact Sciences
Classification: Uncertain significance for EP300-related condition. Last evaluated: 2026-05-11. Review status: criteria provided, single submitter. Criteria: ACMG Guidelines, 2015. Collection method: clinical testing. Allele origin: germline.
Comment: The EP300 c.2688A>G variant is not predicted to result in an amino acid change (p.=). To our knowledge, this variant has not been reported in the literature. This variant is predicted to alter splicing based on available splicing prediction programs (SpliceAI, Jaganathan et al. 2019. PubMed ID: 30661751). However, the use of computer prediction programs is not equivalent to functional evidence. This variant is reported in 0.00088% of alleles in individuals of European (Non-Finnish) descent in gnomAD. At this time, the clinical significance of this variant is uncertain due to the absence of conclusive functional and genetic evidence.